The following is an entry in ClinVar:

ClinVar aggregate classification (germline): Uncertain significance. Review status: criteria provided, multiple submitters, no conflicts (2 of 4 stars). 4 submissions from 4 submitters: Uncertain significance (4). Last evaluated 2025-04-28.

Conditions:
Familial adenomatous polyposis 1 (FAP1). Also called: FAMILIAL ADENOMATOUS POLYPOSIS 1, ATTENUATED; POLYPOSIS, ADENOMATOUS INTESTINAL. Identifiers: MedGen C2713442, MONDO:0021056, OMIM 175100. Disease mechanism: loss of function.
Hereditary cancer-predisposing syndrome. Also called: Neoplastic Syndromes, Hereditary; Tumor predisposition; Hereditary Cancer Syndrome; Hereditary neoplastic syndrome. Identifiers: Orphanet 140162, MedGen C0027672, MeSH D009386, MONDO:0015356.

Allele frequency attached by ClinVar (database versions not stated): TOPMed below 0.00001; gnomAD 0.00001; gnomAD exomes 0.00001.
gnomAD v4.1: 9 of 1,613,626 alleles (0.00056%); highest among the groups gnomAD compares: South Asian, 0.0011%; no homozygotes.

Submissions (4):

Labcorp Genetics (formerly Invitae), Labcorp
Classification: Uncertain significance for Familial adenomatous polyposis 1. Last evaluated: 2025-04-28. Review status: criteria provided, single submitter. Criteria: Invitae Variant Classification Sherloc (09022015). Collection method: clinical testing. Allele origin: germline.
Comment: This sequence change replaces leucine, which is neutral and non-polar, with isoleucine, which is neutral and non-polar, at codon 2574 of the APC protein (p.Leu2574Ile). This variant is not present in population databases (gnomAD no frequency). This variant has not been reported in the literature in individuals affected with APC-related conditions. ClinVar contains an entry for this variant (Variation ID: 232420). Invitae Evidence Modeling of protein sequence and biophysical properties (such as structural, functional, and spatial information, amino acid conservation, physicochemical variation, residue mobility, and thermodynamic stability) indicates that this missense variant is not expected to disrupt APC protein function with a negative predictive value of 95%. In summary, the available evidence is currently insufficient to determine the role of this variant in disease. Therefore, it has been classified as a Variant of Uncertain Significance.

Ambry Genetics
Classification: Uncertain significance for Hereditary cancer-predisposing syndrome. Last evaluated: 2024-05-03. Review status: criteria provided, single submitter. Criteria: Ambry Variant Classification Scheme 2023. Collection method: clinical testing. Allele origin: germline.
Comment: The p.L2574I variant (also known as c.7720C>A), located in coding exon 15 of the APC gene, results from a C to A substitution at nucleotide position 7720. The leucine at codon 2574 is replaced by isoleucine, an amino acid with highly similar properties. Missense alterations in APC are not a common cause of disease (Spier I et al. Genet Med. 2024 Feb;26(2):100992). This amino acid position is highly conserved in available vertebrate species. In addition, in silico predictors for this gene do not accurately predict pathogenicity. Based on the available evidence, the clinical significance of this variant remains unclear.

Color Diagnostics, LLC DBA Color Health
Classification: Uncertain significance for Hereditary cancer-predisposing syndrome. Last evaluated: 2024-01-04. Review status: criteria provided, single submitter. Criteria: ACMG Guidelines, 2015. Collection method: clinical testing. Allele origin: germline.
Comment: This missense variant replaces leucine with isoleucine at codon 2574 of the APC protein. Computational prediction suggests that this variant may not impact protein structure and function (internally defined REVEL score threshold <= 0.5, PMID: 27666373). To our knowledge, functional studies have not been reported for this variant. This variant has not been reported in individuals affected with APC-related disorders in the literature. This variant has not been identified in the general population by the Genome Aggregation Database (gnomAD). The available evidence is insufficient to determine the role of this variant in disease conclusively. Therefore, this variant is classified as a Variant of Uncertain Significance.

Mendelics
Classification: Uncertain significance for Familial adenomatous polyposis 1. Last evaluated: 2019-05-28. Review status: criteria provided, single submitter. Criteria: Mendelics Assertion Criteria 2017. Collection method: clinical testing. Allele origin: unknown.

NM_000038.6(APC):c.7720C>A (p.Leu2574Ile)

Gene: APC (APC regulator of Wnt signaling pathway; plus strand). Cytogenetic location: 5q22.2.
Variant type: single nucleotide variant.
Coding change: c.7720C>A on transcript NM_000038.6 (MANE Select); coding-DNA position 7720, C replaced by A.
Protein change: p.Leu2574Ile; replaces leucine 2574 with isoleucine.
Molecular consequence: missense variant.
Genome position (GRCh38, 1-based): chr5:112,843,314, C>A. VCF-style: chr5-112843314-C-A. GRCh37 (hg19) VCF-style: chr5-112179011-C-A.
Other names: c.7636C>A, p.Leu2546Ile (NM_001354899.2); c.7447C>A, p.Leu2483Ile (NM_001354902.2); c.7342C>A, p.Leu2448Ile (NM_001354904.2); c.7543C>A, p.Leu2515Ile (NM_001354901.2); c.7417C>A, p.Leu2473Ile (NM_001354903.2); c.7597C>A, p.Leu2533Ile (NM_001354900.2); c.7720C>A, p.Leu2574Ile (NM_001127510.3, NM_001354895.2); c.7666C>A, p.Leu2556Ile (NM_001127511.3); and 5 more; short protein forms L2556I, L2574I, L2473I, L2533I, L2546I, L2291I, L2515I, L2584I.
Identifiers: ClinVar variation 232420 (VCV000232420.13), dbSNP rs876659753, ClinGen allele CA10578449.